The following is an entry in ClinVar:

ClinVar aggregate classification (germline): Uncertain significance (1 of 4 stars; one submission).

Submission:

Labcorp Genetics (formerly Invitae), Labcorp
Classification: Uncertain significance. Last evaluated: 2024-11-11. Review status: criteria provided, single submitter. Criteria: Invitae Variant Classification Sherloc (09022015). Collection method: clinical testing. Allele origin: germline.
Comment: This sequence change replaces arginine, which is basic and polar, with glycine, which is neutral and non-polar, at codon 206 of the CEP78 protein (p.Arg206Gly). This variant is not present in population databases (gnomAD no frequency). This variant has not been reported in the literature in individuals affected with CEP78-related conditions. ClinVar contains an entry for this variant (Variation ID: 1994506). Invitae Evidence Modeling of protein sequence and biophysical properties (such as structural, functional, and spatial information, amino acid conservation, physicochemical variation, residue mobility, and thermodynamic stability) indicates that this missense variant is not expected to disrupt CEP78 protein function with a negative predictive value of 80%. In summary, the available evidence is currently insufficient to determine the role of this variant in disease. Therefore, it has been classified as a Variant of Uncertain Significance.

NM_001330691.3(CEP78):c.616A>G (p.Arg206Gly)

Gene: CEP78 (centrosomal protein 78; plus strand). Cytogenetic location: 9q21.2.
Variant type: single nucleotide variant.
Coding change: c.616A>G on transcript NM_001330691.3 (MANE Select); coding-DNA position 616, A replaced by G.
Protein change: p.Arg206Gly; replaces arginine 206 with glycine.
Molecular consequence: missense variant.
Genome position (GRCh38, 1-based): chr9:78,243,474, A>G. VCF-style: chr9-78243474-A-G. GRCh37 (hg19) VCF-style: chr9-80858390-A-G.
Other names: c.616A>G, p.Arg206Gly (NM_001098802.3, NM_001330693.3, NM_001330694.2 and 4 more transcripts); short protein forms R206G.
Identifiers: ClinVar variation 1994506 (VCV001994506.4), dbSNP rs2489837662, ClinGen allele CA374000399.
Genomic context (GRCh38, chr9:78,243,474, plus strand): 5'-TATCTCTTTATCCAAGTGTATTAATTTCATCTTATTAAATCTTTGAAGTATCAGACCATG[A>G]GAAGGCATGAAGAAACCTGGGCTGAGAGTCTTCGCTATAGGAGACCTGATCTTGACTGTA-3'
Protein context (NP_001317620.1, residues 196-216): MAKILKYQTM[Arg206Gly]RHEETWAESL